The following is an entry in ClinVar:

ClinVar aggregate classification (germline): Likely benign (1 of 4 stars; one submission).

gnomAD v4.1: 7 of 1,613,854 alleles (0.00043%); highest among the groups gnomAD compares: Non-Finnish European, 0.00042%; no homozygotes.

Submission:

CeGaT Center for Human Genetics Tuebingen
Classification: Likely benign. Last evaluated: 2024-11-01. Review status: criteria provided, single submitter. Criteria: CeGaT Center For Human Genetics Tuebingen Variant Classification Criteria Version 2. Collection method: clinical testing. Allele origin: germline. Affected: yes. Observed: 1 variant allele.
Comment: KMT5B: BP4, BP7

NM_017635.5(KMT5B):c.2469A>G (p.Glu823=)

Gene: KMT5B (lysine methyltransferase 5B; minus strand). Cytogenetic location: 11q13.2.
Variant type: single nucleotide variant.
Coding change: c.2469A>G on transcript NM_017635.5 (MANE Select); coding-DNA position 2469, A replaced by G.
Protein change: p.Glu823=; no amino-acid change (glutamic acid 823 retained).
Molecular consequence: synonymous variant.
Genome position (GRCh38, 1-based): chr11:68,157,877, T>C on the plus strand (A>G on the coding strand, the complement: KMT5B is on the minus strand). VCF-style: chr11-68157877-T-C. GRCh37 (hg19) VCF-style: chr11-67925344-T-C.
Other names: c.1953A>G, p.Glu651= (NM_001300907.1, NM_001369428.1, NM_001369429.1 and 4 more transcripts); c.1749A>G, p.Glu583= (NM_001300908.2); c.2469A>G, p.Glu823= (NM_001369426.1).
Identifiers: ClinVar variation 3389414 (VCV003389414.14).